The following is an entry in ClinVar:

NC_000020.10:g.(?_61978090)_(62562921_?)del

Genes: ABHD16B (abhydrolase domain containing 16B; plus strand), ARFRP1 (ARF related protein 1; minus strand), CHRNA4 (cholinergic receptor nicotinic alpha 4 subunit; minus strand), DNAJC5 (DnaJ heat shock protein family (Hsp40) member C5; plus strand), EEF1A2 (eukaryotic translation elongation factor 1 alpha 2; minus strand) and 15 more. Cytogenetic location: 20q13.33.
Variant type: Deletion.
Identifiers: ClinVar variation 3248230 (VCV003248230.1).

ClinVar aggregate classification (germline): Pathogenic. Review status: criteria provided, single submitter (1 of 4 stars). 2 submissions from 1 submitter: Pathogenic (1). 1 of the submissions does not count toward it. Last evaluated 2023-12-06.

Conditions:
Neuronal ceroid lipofuscinosis. Also called: Neuronal Ceroid Lipofuscinoses. Identifiers: Orphanet 216, Orphanet 79263, MedGen C0027877, MONDO:0016295. Disease mechanism: loss of function.
Developmental and epileptic encephalopathy. Identifiers: MedGen C5779964, MONDO:0100620.

Submissions (2):

Labcorp Genetics (formerly Invitae), Labcorp
Classification: Pathogenic for Early-infantile DEE. Last evaluated: 2023-12-06. Review status: criteria provided, single submitter. Criteria: Invitae Variant Classification Sherloc (09022015). Collection method: clinical testing. Allele origin: unknown.
Comment: A gross deletion of the genomic region encompassing the full coding sequence of the KCNQ2 gene has been identified. Loss-of-function variants in KCNQ2 are known to be pathogenic (PMID: 14534157, 23692823, 27779742). The boundaries of this event are unknown as they extend beyond the assayed region for this gene and therefore may encompass additional genes. Isolated whole-gene deletions of KCNQ2 have not been reported in the literature. However, larger copy number events that include this gene have been reported (PMID: 19822871, 23360469, 24811917). For these reasons, this variant has been classified as Pathogenic.

Labcorp Genetics (formerly Invitae), Labcorp
Classification: Uncertain significance for Neuronal ceroid lipofuscinosis. Last evaluated: 2023-12-06. Review status: flagged submission. Criteria: Invitae Variant Classification Sherloc (09022015). Collection method: clinical testing. Allele origin: unknown. Not counted in ClinVar's aggregate classification.
Comment: A gross deletion of the genomic region encompassing the full coding sequence of the DNAJC5 gene has been identified. The current clinical and genetic evidence is not sufficient to establish whether loss-of-function variants in DNAJC5 cause disease. The boundaries of this event are unknown as they extend beyond the assayed region for this gene and therefore may encompass additional genes. This variant has not been reported in the literature in individuals affected with DNAJC5-related conditions. In summary, the available evidence is currently insufficient to determine the role of this variant in disease. Therefore, it has been classified as a Variant of Uncertain Significance.
ClinVar note: Notes: This submission was flagged because its interpretation of this variant conflicts with the ClinGen Gene Dosage Map curation for the gene KCNQ2.
ClinVar note: Reason: Conflict with ClinGen Gene Dosage Map

Literature cited by the submitters: PubMed 14534157; PubMed 23692823; PubMed 27779742; PubMed 19822871; PubMed 23360469; PubMed 24811917.